The following is an entry in ClinVar:

ClinVar aggregate classification (germline): Uncertain significance. Review status: criteria provided, multiple submitters, no conflicts (2 of 4 stars). 2 submissions from 2 submitters: Uncertain significance (2). Last evaluated 2023-10-20.

Conditions:
Inborn genetic diseases. Identifiers: MedGen C0950123, MeSH D030342.

Allele frequency attached by ClinVar (database versions not stated): TOPMed below 0.00001; gnomAD 0.00001; gnomAD exomes 0.00001 and 0.00004; ExAC 0.00002.
gnomAD v4.1: 18 of 1,613,926 alleles (0.0011%); highest among the groups gnomAD compares: East Asian, 0.031%; no homozygotes.

Submissions (2):

Ambry Genetics
Classification: Uncertain significance for Inborn genetic diseases. Last evaluated: 2023-10-20. Review status: criteria provided, single submitter. Criteria: Ambry Variant Classification Scheme 2023. Collection method: clinical testing. Allele origin: germline.

Labcorp Genetics (formerly Invitae), Labcorp
Classification: Uncertain significance. Last evaluated: 2021-08-08. Review status: criteria provided, single submitter. Criteria: Invitae Variant Classification Sherloc (09022015). Collection method: clinical testing. Allele origin: germline.
Comment: This sequence change replaces proline with leucine at codon 278 of the MCPH1 protein (p.Pro278Leu). The proline residue is weakly conserved and there is a moderate physicochemical difference between proline and leucine. This variant is present in population databases (rs750528950, ExAC 0.03%). This variant has not been reported in the literature in individuals affected with MCPH1-related conditions. Algorithms developed to predict the effect of missense changes on protein structure and function are either unavailable or do not agree on the potential impact of this missense change (SIFT: "Not Available"; PolyPhen-2: "Benign"; Align-GVGD: "Not Available"). In summary, the available evidence is currently insufficient to determine the role of this variant in disease. Therefore, it has been classified as a Variant of Uncertain Significance.

NM_024596.5(MCPH1):c.833C>T (p.Pro278Leu)

Gene: MCPH1 (microcephalin 1; plus strand). Cytogenetic location: 8p23.1.
Variant type: single nucleotide variant.
Coding change: c.833C>T on transcript NM_024596.5 (MANE Select); coding-DNA position 833, C replaced by T.
Protein change: p.Pro278Leu; replaces proline 278 with leucine.
Molecular consequence: missense variant. On other transcripts: non-coding transcript variant (1).
Genome position (GRCh38, 1-based): chr8:6,444,555, C>T. VCF-style: chr8-6444555-C-T. GRCh37 (hg19) VCF-style: chr8-6302076-C-T.
Other names: c.833C>T, p.Pro278Leu (NM_001172574.2, NM_001322042.2, NM_001363979.1 and 1 more transcripts); c.689C>T, p.Pro230Leu (NM_001172575.2); c.827C>T, p.Pro276Leu (NM_001322043.2); c.731C>T, p.Pro244Leu (NM_001322045.2); c.833C>T (NM_024596.3); short protein forms P230L, P244L, P276L, P278L.
Identifiers: ClinVar variation 1380083 (VCV001380083.4), dbSNP rs750528950, ClinGen allele CA4610391.